The following is an entry in ClinVar:

NM_133497.4(KCNV2):c.762C>G (p.Phe254Leu)

Gene: KCNV2 (potassium voltage-gated channel modifier subfamily V member 2; plus strand). Cytogenetic location: 9p24.2.
Variant type: single nucleotide variant.
Coding change: c.762C>G on transcript NM_133497.4 (MANE Select); coding-DNA position 762, C replaced by G.
Protein change: p.Phe254Leu; replaces phenylalanine 254 with leucine.
Molecular consequence: missense variant.
Genome position (GRCh38, 1-based): chr9:2,718,501, C>G. VCF-style: chr9-2718501-C-G. GRCh37 (hg19) VCF-style: chr9-2718501-C-G.
Other names: short protein forms F254L.
Identifiers: ClinVar variation 913090 (VCV000913090.29), dbSNP rs147022958, ClinGen allele CA4965610.

ClinVar aggregate classification (germline): Conflicting classifications of pathogenicity. Review status: criteria provided, conflicting classifications (1 of 4 stars). 6 submissions from 6 submitters: Uncertain significance (3); Benign (1); Likely benign (2). Last evaluated 2026-06-09.

Conditions:
KCNV2-related disorder. Also called: KCNV2-related condition.
Inborn genetic diseases. Identifiers: MedGen C0950123, MeSH D030342.
Cone dystrophy with supernormal rod response (CDSRR). Also called: CONE DYSTROPHY WITH SUPERNORMAL ROD RESPONSES. Identifiers: Orphanet 209932, MedGen C1835897, MONDO:0012475, OMIM 610356.

Allele frequency attached by ClinVar (database versions not stated): 1000 Genomes Project 0.00060; TOPMed 0.00074; 1000 Genomes Project 30x 0.00078; ESP Exome Variant Server 0.00101.
gnomAD v4.1: 1,748 of 1,610,838 alleles (0.11%); highest among the groups gnomAD compares: Non-Finnish European, 0.14%; 5 homozygotes.

Submissions (6):

PreventionGenetics, part of Exact Sciences
Classification: Uncertain significance for KCNV2-related condition. Last evaluated: 2026-06-09. Review status: criteria provided, single submitter. Criteria: ACMG Guidelines, 2015. Collection method: clinical testing. Allele origin: germline.
Comment: The KCNV2 c.762C>G variant is predicted to result in the amino acid substitution p.Phe254Leu. To our knowledge, this variant has not been reported in the literature. This variant is reported in 0.10% of alleles in individuals of European (Non-Finnish) descent in gnomAD, which may be too frequent to be a primary cause of disease. Although we suspect that this variant may be benign, at this time, the clinical significance of this variant is uncertain due to the absence of conclusive functional and genetic evidence.

Labcorp Genetics (formerly Invitae), Labcorp
Classification: Likely benign. Last evaluated: 2025-12-19. Review status: criteria provided, single submitter. Criteria: Invitae Variant Classification Sherloc (09022015). Collection method: clinical testing. Allele origin: germline.

CeGaT Center for Human Genetics Tuebingen
Classification: Benign. Last evaluated: 2025-06-01. Review status: criteria provided, single submitter. Criteria: CeGaT Center For Human Genetics Tuebingen Variant Classification Criteria Version 2. Collection method: clinical testing. Allele origin: germline. Affected: yes. Observed: 2 variant alleles.
Comment: KCNV2: PP3, BS1, BS2

Blueprint Genetics
Classification: Likely benign. Last evaluated: 2024-11-08. Review status: criteria provided, single submitter. Criteria: ACMG Guidelines, 2015. Collection method: clinical testing. Allele origin: germline.

Ambry Genetics
Classification: Uncertain significance for Inborn genetic diseases. Last evaluated: 2021-06-18. Review status: criteria provided, single submitter. Criteria: Ambry Variant Classification Scheme 2023. Collection method: clinical testing. Allele origin: germline.

Illumina Laboratory Services, Illumina
Classification: Uncertain significance for Cone dystrophy with supernormal rod response. Last evaluated: 2018-01-12. Review status: criteria provided, single submitter. Criteria: ICSL Variant Classification Criteria 13 December 2019. Collection method: clinical testing. Allele origin: germline.